The following is an entry in ClinVar:

NM_004973.4(JARID2):c.183G>A (p.Gly61=)

Gene: JARID2 (jumonji and AT-rich interaction domain containing 2; plus strand). Cytogenetic location: 6p22.3.
Variant type: single nucleotide variant.
Coding change: c.183G>A on transcript NM_004973.4 (MANE Select); coding-DNA position 183, G replaced by A.
Protein change: p.Gly61=; no amino-acid change (glycine 61 retained).
Molecular consequence: synonymous variant. On other transcripts: 5 prime UTR variant (1).
Genome position (GRCh38, 1-based): chr6:15,410,225, G>A. VCF-style: chr6-15410225-G-A. GRCh37 (hg19) VCF-style: chr6-15410456-G-A.
Other names: c.-334G>A (NM_001267040.1).
Identifiers: ClinVar variation 3765620 (VCV003765620.1).

ClinVar aggregate classification (germline): Uncertain significance (1 of 4 stars; one submission).

Submission:

Greenwood Genetic Center Diagnostic Laboratories, Greenwood Genetic Center
Classification: Uncertain significance. Last evaluated: 2024-08-29. Review status: criteria provided, single submitter. Criteria: ACMG Guidelines, 2015. Collection method: clinical testing. Allele origin: germline. Affected: yes.
Comment: PM2